The following is an entry in ClinVar:

ClinVar aggregate classification (germline): Uncertain significance (1 of 4 stars; one submission).

Conditions:
Autoimmune lymphoproliferative syndrome type 2A (ALPS2A). Also called: CASP10-Related Autoimmune Lymphoproliferative Syndrome; AUTOIMMUNE LYMPHOPROLIFERATIVE SYNDROME, TYPE IIA; Autoimmune lymphoproliferative syndrome type 2. Identifiers: Orphanet 3261, MedGen C1858968, MONDO:0011383, OMIM 603909.

gnomAD v4.1: 1 of 1,612,558 alleles (0.000062%); highest among the groups gnomAD compares: South Asian, 0.0011%; no homozygotes.

Submission:

Labcorp Genetics (formerly Invitae), Labcorp
Classification: Uncertain significance for Autoimmune lymphoproliferative syndrome type 2A. Last evaluated: 2026-01-13. Review status: criteria provided, single submitter. Criteria: Invitae Variant Classification Sherloc (09022015). Collection method: clinical testing. Allele origin: germline.
Comment: This sequence change replaces serine, which is neutral and polar, with cysteine, which is neutral and slightly polar, at codon 461 of the CASP10 protein (p.Ser461Cys). This variant is not present in population databases (gnomAD no frequency). This variant has not been reported in the literature in individuals affected with CASP10-related conditions. Invitae Evidence Modeling of protein sequence and biophysical properties (such as structural, functional, and spatial information, amino acid conservation, physicochemical variation, residue mobility, and thermodynamic stability) indicates that this missense variant is not expected to disrupt CASP10 protein function with a negative predictive value of 80%. In summary, the available evidence is currently insufficient to determine the role of this variant in disease. Therefore, it has been classified as a Variant of Uncertain Significance.

NM_032977.4(CASP10):c.1382C>G (p.Ser461Cys)

Gene: CASP10 (caspase 10; plus strand). Cytogenetic location: 2q33.1.
Variant type: single nucleotide variant.
Coding change: c.1382C>G on transcript NM_032977.4 (MANE Select); coding-DNA position 1382, C replaced by G.
Protein change: p.Ser461Cys; replaces serine 461 with cysteine.
Molecular consequence: missense variant. On other transcripts: 3 prime UTR variant (1).
Genome position (GRCh38, 1-based): chr2:201,209,529, C>G. VCF-style: chr2-201209529-C-G. GRCh37 (hg19) VCF-style: chr2-202074252-C-G.
Other names: c.1181C>G, p.Ser394Cys (NM_001206524.2); c.1253C>G, p.Ser418Cys (NM_001206542.2, NM_001230.5); c.1382C>G, p.Ser461Cys (NM_032974.5); c.*468C>G (NM_032976.4); short protein forms S418C, S394C, S461C.
Identifiers: ClinVar variation 4792380 (VCV004792380.1).